The following is an entry in ClinVar:

ClinVar aggregate classification (germline): Likely benign (1 of 4 stars; one submission).

Submission:

CeGaT Center for Human Genetics Tuebingen
Classification: Likely benign. Last evaluated: 2026-01-01. Review status: criteria provided, single submitter. Criteria: CeGaT Center For Human Genetics Tuebingen Variant Classification Criteria Version 2. Collection method: clinical testing. Allele origin: germline. Affected: yes. Observed: 1 variant allele.
Comment: CREBBP: PM2:Supporting, BP4, BP7

NM_004380.3(CREBBP):c.5586C>T (p.Ala1862=)

Gene: CREBBP (CREB binding lysine acetyltransferase; minus strand). Cytogenetic location: 16p13.3.
Variant type: single nucleotide variant.
Coding change: c.5586C>T on transcript NM_004380.3 (MANE Select); coding-DNA position 5586, C replaced by T.
Protein change: p.Ala1862=; no amino-acid change (alanine 1862 retained).
Molecular consequence: synonymous variant.
Genome position (GRCh38, 1-based): chr16:3,729,461, G>A on the plus strand (C>T on the coding strand, the complement: CREBBP is on the minus strand). VCF-style: chr16-3729461-G-A. GRCh37 (hg19) VCF-style: chr16-3779462-G-A.
Other names: c.5472C>T, p.Ala1824= (NM_001079846.1).
Identifiers: ClinVar variation 4821048 (VCV004821048.4).
Genomic context (GRCh38, chr16:3,729,461, plus strand): 5'-CAGACTCTGCTGAGGCACGTTGCGGGTGTTCATGGTGGCCATCCGCCGGCGCATGAGCTG[G>A]GCCTGCTGCAGGCGGTGCTGGATCTGCTGCTGGCGGAGCTTGTGTTTGATGTTGAGGCAG-3'
Protein context (NP_004371.2, residues 1852-1872): QQQIQHRLQQ[Ala1862=]QLMRRRMATM